The following is an entry in ClinVar:

ClinVar aggregate classification (germline): Uncertain significance (1 of 4 stars; one submission).

Conditions:
Familial cold autoinflammatory syndrome 2 (FCAS2). Identifiers: Orphanet 247868, MedGen C2673198, MONDO:0012724, OMIM 611762.

Submission:

Labcorp Genetics (formerly Invitae), Labcorp
Classification: Uncertain significance for Familial cold autoinflammatory syndrome 2. Last evaluated: 2024-05-21. Review status: criteria provided, single submitter. Criteria: Invitae Variant Classification Sherloc (09022015). Collection method: clinical testing. Allele origin: germline.
Comment: This sequence change replaces alanine, which is neutral and non-polar, with proline, which is neutral and non-polar, at codon 218 of the NLRP12 protein (p.Ala218Pro). This variant is not present in population databases (gnomAD no frequency). This variant has not been reported in the literature in individuals affected with NLRP12-related conditions. Advanced modeling of protein sequence and biophysical properties (such as structural, functional, and spatial information, amino acid conservation, physicochemical variation, residue mobility, and thermodynamic stability) performed at Invitae indicates that this missense variant is not expected to disrupt NLRP12 protein function with a negative predictive value of 80%. In summary, the available evidence is currently insufficient to determine the role of this variant in disease. Therefore, it has been classified as a Variant of Uncertain Significance.

NM_144687.4(NLRP12):c.652G>C (p.Ala218Pro)

Gene: NLRP12 (NLR family pyrin domain containing 12; minus strand). Cytogenetic location: 19q13.42.
Variant type: single nucleotide variant.
Coding change: c.652G>C on transcript NM_144687.4 (MANE Select); coding-DNA position 652, G replaced by C.
Protein change: p.Ala218Pro; replaces alanine 218 with proline.
Molecular consequence: missense variant.
Genome position (GRCh38, 1-based): chr19:53,811,007, C>G on the plus strand (G>C on the coding strand, the complement: NLRP12 is on the minus strand). VCF-style: chr19-53811007-C-G. GRCh37 (hg19) VCF-style: chr19-54314261-C-G.
Other names: c.652G>C, p.Ala218Pro (NM_001277126.2, NM_001277129.1); short protein forms A218P.
Identifiers: ClinVar variation 3647723 (VCV003647723.2).